The following is an entry in ClinVar:

ClinVar aggregate classification (germline): Likely benign. Review status: criteria provided, multiple submitters, no conflicts (2 of 4 stars). 3 submissions from 3 submitters: Likely benign (2). 1 of the submissions does not count toward it. Last evaluated 2025-10-01.

Conditions:
RAI1-related disorder. Also called: RAI1-related condition.

Allele frequency attached by ClinVar (database versions not stated): TOPMed 0.00001; ExAC 0.00003; gnomAD 0.00003; 1000 Genomes Project 30x 0.00016; 1000 Genomes Project 0.00020.
gnomAD v4.1: 19 of 1,612,896 alleles (0.0012%); highest among the groups gnomAD compares: Middle Eastern, 0.033%; no homozygotes.

Submissions (3):

CeGaT Center for Human Genetics Tuebingen
Classification: Likely benign. Last evaluated: 2025-10-01. Review status: criteria provided, single submitter. Criteria: CeGaT Center For Human Genetics Tuebingen Variant Classification Criteria Version 2. Collection method: clinical testing. Allele origin: germline. Affected: yes. Observed: 2 variant alleles.
Comment: RAI1: BP4, BP7

Labcorp Genetics (formerly Invitae), Labcorp
Classification: Likely benign. Last evaluated: 2025-09-24. Review status: criteria provided, single submitter. Criteria: Invitae Variant Classification Sherloc (09022015). Collection method: clinical testing. Allele origin: germline.

PreventionGenetics, part of Exact Sciences
Classification: Likely benign for RAI1-related condition. Last evaluated: 2022-04-30. Review status: no assertion criteria provided. Collection method: clinical testing. Allele origin: germline. Not counted in ClinVar's aggregate classification.
Comment: This variant is classified as likely benign based on ACMG/AMP sequence variant interpretation guidelines (Richards et al. 2015 PMID: 25741868, with internal and published modifications).

NM_030665.4(RAI1):c.3912C>T (p.Leu1304=)

Gene: RAI1 (retinoic acid induced 1; plus strand). Cytogenetic location: 17p11.2.
Variant type: single nucleotide variant.
Coding change: c.3912C>T on transcript NM_030665.4 (MANE Select); coding-DNA position 3912, C replaced by T.
Protein change: p.Leu1304=; no amino-acid change (leucine 1304 retained).
Molecular consequence: synonymous variant.
Genome position (GRCh38, 1-based): chr17:17,796,860, C>T. VCF-style: chr17-17796860-C-T. GRCh37 (hg19) VCF-style: chr17-17700174-C-T.
Other names: c.3912C>T (NM_030665.3).
Identifiers: ClinVar variation 2155616 (VCV002155616.28), dbSNP rs201207099, ClinGen allele CA8418863.
Genomic context (GRCh38, chr17:17,796,860, plus strand): 5'-CAATGGCGAGCCTGCCACAAAGCTCCCACCCCCGGAGACCCCCGATGCCTGCCTCAAGCT[C>T]GCCTCTCGGGCAGCCTTCCAGGGGGCCATGAAGACCAAGGTGCTGCCACCCCGGAAGGGC-3'
Protein context (NP_109590.3, residues 1294-1314): PPETPDACLK[Leu1304=]ASRAAFQGAM